The following is an entry in ClinVar:

ClinVar aggregate classification (germline): Pathogenic (1 of 4 stars; one submission).

Conditions:
Hereditary hemorrhagic telangiectasia (HHT). Also called: ORW DISEASE; Osler Weber Rendu syndrome; OSLER-RENDU-WEBER DISEASE; Osler hemorrhagic telangiectasia syndrome. Identifiers: Orphanet 774, MedGen C0039445, MONDO:0019180. Disease mechanism: loss of function.

Submission:

Labcorp Genetics (formerly Invitae), Labcorp
Classification: Pathogenic for Hereditary hemorrhagic telangiectasia. Last evaluated: 2024-09-04. Review status: criteria provided, single submitter. Criteria: Invitae Variant Classification Sherloc (09022015). Collection method: clinical testing. Allele origin: germline.
Comment: This sequence change replaces methionine, which is neutral and non-polar, with threonine, which is neutral and polar, at codon 368 of the ENG protein (p.Met368Thr). This variant is not present in population databases (gnomAD no frequency). This missense change has been observed in individual(s) with hereditary hemorrhagic telangiectasia (PMID: 18498373, 34872578). Invitae Evidence Modeling of protein sequence and biophysical properties (such as structural, functional, and spatial information, amino acid conservation, physicochemical variation, residue mobility, and thermodynamic stability) indicates that this missense variant is expected to disrupt ENG protein function with a positive predictive value of 80%. For these reasons, this variant has been classified as Pathogenic.

Literature cited by the submitters: PubMed 18498373; PubMed 34872578.

NM_001114753.3(ENG):c.1103T>C (p.Met368Thr)

Gene: ENG (endoglin; minus strand). Cytogenetic location: 9q34.11.
Variant type: single nucleotide variant.
Coding change: c.1103T>C on transcript NM_001114753.3 (MANE Select); coding-DNA position 1103, T replaced by C.
Protein change: p.Met368Thr; replaces methionine 368 with threonine.
Molecular consequence: missense variant.
Genome position (GRCh38, 1-based): chr9:127,824,335, A>G on the plus strand (T>C on the coding strand, the complement: ENG is on the minus strand). VCF-style: chr9-127824335-A-G. GRCh37 (hg19) VCF-style: chr9-130586614-A-G.
Other names: c.1103T>C, p.Met368Thr (NM_000118.4, NM_001406715.1); c.557T>C, p.Met186Thr (NM_001278138.2); short protein forms M368T, M186T.
Identifiers: ClinVar variation 3720908 (VCV003720908.2).
Genomic context (GRCh38, chr9:127,824,335, plus strand): 5'-CTGAGCCAGAGGGGCAGGAGTTCCCTTACCGCAACAAGCTCTTTCTTTAGTACCAGGGTC[A>G]TGGCGTCGTCGGCACACTTTGTCTGGATCAAGGACATGAGCAGCTCCGGGCTACAAGTGT-3'
Protein context (NP_001108225.1, residues 358-378): LIQTKCADDA[Met368Thr]TLVLKKELVA